The following is an entry in ClinVar:

NM_003477.3(PDHX):c.1391G>T (p.Arg464Leu)

Gene: PDHX (pyruvate dehydrogenase complex component X; plus strand). Cytogenetic location: 11p13.
Variant type: single nucleotide variant.
Coding change: c.1391G>T on transcript NM_003477.3 (MANE Select); coding-DNA position 1391, G replaced by T.
Protein change: p.Arg464Leu; replaces arginine 464 with leucine.
Molecular consequence: missense variant.
Genome position (GRCh38, 1-based): chr11:34,995,057, G>T. VCF-style: chr11-34995057-G-T. GRCh37 (hg19) VCF-style: chr11-35016604-G-T.
Other names: c.1211G>T, p.Arg404Leu (NM_001135024.2); c.710G>T, p.Arg237Leu (NM_001166158.2); short protein forms R237L, R404L, R464L.
Identifiers: ClinVar variation 3368425 (VCV003368425.1).

ClinVar aggregate classification (germline): Uncertain significance (1 of 4 stars; one submission).

gnomAD v4.1: 1 of 1,614,048 alleles (0.000062%); highest among the groups gnomAD compares: African/African-American, 0.0013%; no homozygotes.

Submission:

GeneDx
Classification: Uncertain significance. Last evaluated: 2024-01-31. Review status: criteria provided, single submitter. Criteria: GeneDx Variant Classification Process June 2021. Collection method: clinical testing. Allele origin: germline. Affected: yes.
Comment: Not observed at significant frequency in large population cohorts (gnomAD); In silico analysis supports that this missense variant does not alter protein structure/function; Has not been previously published as pathogenic or benign to our knowledge